The following is an entry in ClinVar:

NM_001379286.1(ZNF423):c.3054C>A (p.His1018Gln)

Gene: ZNF423 (zinc finger protein 423; minus strand). Cytogenetic location: 16q12.1.
Variant type: single nucleotide variant.
Coding change: c.3054C>A on transcript NM_001379286.1 (MANE Select); coding-DNA position 3054, C replaced by A.
Protein change: p.His1018Gln; replaces histidine 1018 with glutamine.
Molecular consequence: missense variant.
Genome position (GRCh38, 1-based): chr16:49,636,122, G>T on the plus strand (C>A on the coding strand, the complement: ZNF423 is on the minus strand). VCF-style: chr16-49636122-G-T. GRCh37 (hg19) VCF-style: chr16-49670033-G-T.
Other names: c.2850C>A, p.His950Gln (NM_001271620.2); c.2679C>A, p.His893Gln (NM_001330533.2); c.3030C>A, p.His1010Gln (NM_015069.5); short protein forms H1010Q, H1018Q, H950Q, H893Q.
Identifiers: ClinVar variation 1047132 (VCV001047132.8), dbSNP rs761647283, ClinGen allele CA395840788.

ClinVar aggregate classification (germline): Uncertain significance (1 of 4 stars; one submission).

Conditions:
Nephronophthisis 14 (NPHP14). Identifiers: Orphanet 2318, MedGen C3539071, MONDO:0013916, OMIM 614844.

Submission:

Labcorp Genetics (formerly Invitae), Labcorp
Classification: Uncertain significance for Nephronophthisis 14. Last evaluated: 2020-10-07. Review status: criteria provided, single submitter. Criteria: Invitae Variant Classification Sherloc (09022015). Collection method: clinical testing. Allele origin: germline.
Comment: In summary, the available evidence is currently insufficient to determine the role of this variant in disease. Therefore, it has been classified as a Variant of Uncertain Significance. Algorithms developed to predict the effect of missense changes on protein structure and function are either unavailable or do not agree on the potential impact of this missense change (SIFT: "Deleterious"; PolyPhen-2: "Probably Damaging"; Align-GVGD: "Class C15"). This variant has not been reported in the literature in individuals with ZNF423-related conditions. This variant is not present in population databases (ExAC no frequency). This sequence change replaces histidine with glutamine at codon 1010 of the ZNF423 protein (p.His1010Gln). The histidine residue is highly conserved and there is a small physicochemical difference between histidine and glutamine.